The following is an entry in ClinVar:

ClinVar aggregate classification (germline): Pathogenic (1 of 4 stars; one submission).

Conditions:
Familial thoracic aortic aneurysm and aortic dissection (TAAD). Also called: Thoracic aortic aneurysms and dissections. Identifiers: Orphanet 91387, MedGen C4707243, MONDO:0019625.

Submission:

Ambry Genetics
Classification: Pathogenic for Familial thoracic aortic aneurysm and aortic dissection. Last evaluated: 2025-08-06. Review status: criteria provided, single submitter. Criteria: Ambry Variant Classification Scheme 2023. Collection method: clinical testing. Allele origin: germline.
Comment: The c.3744delC pathogenic mutation, located in coding exon 48 of the COL3A1 gene, results from a deletion of one nucleotide at nucleotide position 3744, causing a translational frameshift with a predicted alternate stop codon (p.I1249Lfs*17). This variant is considered to be rare based on population cohorts in the Genome Aggregation Database (gnomAD). This alteration is expected to result in loss of function by premature protein truncation or nonsense-mediated mRNA decay. As such, this alteration is interpreted as a disease-causing mutation.

NM_000090.4(COL3A1):c.3744del (p.Ile1249fs)

Gene: COL3A1 (collagen type III alpha 1 chain; plus strand). Cytogenetic location: 2q32.2.
Variant type: Deletion.
Coding change: c.3744del on transcript NM_000090.4 (MANE Select); coding-DNA position 3744, one base deleted (C; older notation c.3744delC).
Protein change: p.Ile1249fs; shifts the reading frame from isoleucine 1249.
Molecular consequence: frameshift variant.
Genome position (GRCh38, 1-based): chr2:189,009,142, C deleted. VCF-style (leftmost placement, unchanged base first): chr2-189009141-TC-T. GRCh37 (hg19) VCF-style: chr2-189873867-TC-T.
Other names: short protein forms I1249fs.
Identifiers: ClinVar variation 4232241 (VCV004232241.1).